The following is an entry in ClinVar:

ClinVar aggregate classification (germline): Uncertain significance. Review status: criteria provided, multiple submitters, no conflicts (2 of 4 stars). 3 submissions from 3 submitters: Uncertain significance (3). Last evaluated 2025-08-31.

Conditions:
Hereditary cancer-predisposing syndrome. Also called: Neoplastic Syndromes, Hereditary; Tumor predisposition; Hereditary neoplastic syndrome; Hereditary Cancer Syndrome. Identifiers: Orphanet 140162, MedGen C0027672, MeSH D009386, MONDO:0015356.
Dilated cardiomyopathy 1GG (CMD1GG). Identifiers: Orphanet 154, MedGen C3150898, MONDO:0013339, OMIM 613642.
Mitochondrial complex II deficiency, nuclear type 1. Also called: SUCCINATE CoQ REDUCTASE DEFICIENCY. Identifiers: Orphanet 3208, MedGen C5700310, MONDO:0100294, OMIM 252011.
Pheochromocytoma/paraganglioma syndrome 5. Also called: Paragangliomas 5; SDHA-Related Hereditary Paraganglioma-Pheochromocytoma Syndrome. Identifiers: Orphanet 29072, MedGen C3279992, MONDO:0013602, OMIM 614165.

Allele frequency attached by ClinVar (database versions not stated): gnomAD exomes below 0.00001; TOPMed below 0.00001; gnomAD 0.00001.
gnomAD v4.1: 3 of 1,613,360 alleles (0.00019%); highest among the groups gnomAD compares: Non-Finnish European, 0.00017%; no homozygotes.

Submissions (3):

Labcorp Genetics (formerly Invitae), Labcorp
Classification: Uncertain significance for Pheochromocytoma/paraganglioma syndrome 5; Mitochondrial complex II deficiency, nuclear type 1. Last evaluated: 2025-08-31. Review status: criteria provided, single submitter. Criteria: Invitae Variant Classification Sherloc (09022015). Collection method: clinical testing. Allele origin: germline.
Comment: This sequence change replaces alanine, which is neutral and non-polar, with threonine, which is neutral and polar, at codon 660 of the SDHA protein (p.Ala660Thr). This variant is not present in population databases (gnomAD no frequency). This variant has not been reported in the literature in individuals affected with SDHA-related conditions. ClinVar contains an entry for this variant (Variation ID: 539665). Invitae Evidence Modeling of protein sequence and biophysical properties (such as structural, functional, and spatial information, amino acid conservation, physicochemical variation, residue mobility, and thermodynamic stability) indicates that this missense variant is not expected to disrupt SDHA protein function with a negative predictive value of 95%. In summary, the available evidence is currently insufficient to determine the role of this variant in disease. Therefore, it has been classified as a Variant of Uncertain Significance.

Ambry Genetics
Classification: Uncertain significance for Hereditary cancer-predisposing syndrome. Last evaluated: 2025-08-11. Review status: criteria provided, single submitter. Criteria: Ambry Variant Classification Scheme 2023. Collection method: clinical testing. Allele origin: germline.
Comment: The p.A660T variant (also known as c.1978G>A), located in coding exon 15 of the SDHA gene, results from a G to A substitution at nucleotide position 1978. The alanine at codon 660 is replaced by threonine, an amino acid with similar properties. This amino acid position is conserved. In addition, the in silico prediction for this alteration is inconclusive. Since supporting evidence is limited at this time, the clinical significance of this alteration remains unclear.

Baylor Genetics
Classification: Uncertain significance for Dilated cardiomyopathy 1GG. Last evaluated: 2024-03-05. Review status: criteria provided, single submitter. Criteria: ACMG Guidelines, 2015. Collection method: clinical testing. Allele origin: unknown.

NM_004168.4(SDHA):c.1978G>A (p.Ala660Thr)

Gene: SDHA (succinate dehydrogenase complex flavoprotein subunit A; plus strand). Cytogenetic location: 5p15.33.
Variant type: single nucleotide variant.
Coding change: c.1978G>A on transcript NM_004168.4 (MANE Select); coding-DNA position 1978, G replaced by A.
Protein change: p.Ala660Thr; replaces alanine 660 with threonine.
Molecular consequence: missense variant.
Genome position (GRCh38, 1-based): chr5:256,403, G>A. VCF-style: chr5-256403-G-A. GRCh37 (hg19) VCF-style: chr5-256518-G-A.
Other names: c.1834G>A, p.Ala612Thr (NM_001294332.2); c.1735G>A, p.Ala579Thr (NM_001330758.2); short protein forms A660T, A579T, A612T.
Identifiers: ClinVar variation 539665 (VCV000539665.15), dbSNP rs1554002911, ClinGen allele CA359003135.